The following is an entry in ClinVar:

NM_177438.3(DICER1):c.836A>G (p.Asn279Ser)

Gene: DICER1 (dicer 1, ribonuclease III; minus strand). Cytogenetic location: 14q32.13.
Variant type: single nucleotide variant.
Coding change: c.836A>G on transcript NM_177438.3 (MANE Select); coding-DNA position 836, A replaced by G.
Protein change: p.Asn279Ser; replaces asparagine 279 with serine.
Molecular consequence: missense variant.
Genome position (GRCh38, 1-based): chr14:95,126,647, T>C on the plus strand (A>G on the coding strand, the complement: DICER1 is on the minus strand). VCF-style: chr14-95126647-T-C. GRCh37 (hg19) VCF-style: chr14-95592984-T-C.
Other names: c.836A>G, p.Asn279Ser (NM_001195573.1, NM_001271282.3, NM_001291628.2 and 1 more transcripts); short protein forms N279S.
Identifiers: ClinVar variation 822332 (VCV000822332.14), dbSNP rs1422024152, ClinGen allele CA390887571.

ClinVar aggregate classification (germline): Uncertain significance. Review status: criteria provided, multiple submitters, no conflicts (2 of 4 stars). 2 submissions from 2 submitters: Uncertain significance (2). Last evaluated 2025-11-25.

Conditions:
DICER1-related tumor predisposition. Also called: DICER1-related pleuropulmonary blastoma cancer predisposition syndrome; DICER1 syndrome. Identifiers: Orphanet 284343, MedGen C3839822, MONDO:0100216.
Hereditary cancer-predisposing syndrome. Also called: Hereditary Cancer Syndrome; Neoplastic Syndromes, Hereditary; Hereditary neoplastic syndrome; Tumor predisposition. Identifiers: Orphanet 140162, MedGen C0027672, MeSH D009386, MONDO:0015356.

Allele frequency attached by ClinVar (database versions not stated): TOPMed 0.00001.

Submissions (2):

Labcorp Genetics (formerly Invitae), Labcorp
Classification: Uncertain significance for DICER1-related tumor predisposition. Last evaluated: 2025-11-25. Review status: criteria provided, single submitter. Criteria: Invitae Variant Classification Sherloc (09022015). Collection method: clinical testing. Allele origin: germline.
Comment: This sequence change replaces asparagine, which is neutral and polar, with serine, which is neutral and polar, at codon 279 of the DICER1 protein (p.Asn279Ser). This variant is not present in population databases (gnomAD no frequency). This variant has not been reported in the literature in individuals affected with DICER1-related conditions. ClinVar contains an entry for this variant (Variation ID: 822332). Invitae Evidence Modeling of protein sequence and biophysical properties (such as structural, functional, and spatial information, amino acid conservation, physicochemical variation, residue mobility, and thermodynamic stability) indicates that this missense variant is not expected to disrupt DICER1 protein function with a negative predictive value of 95%. In summary, the available evidence is currently insufficient to determine the role of this variant in disease. Therefore, it has been classified as a Variant of Uncertain Significance.

Ambry Genetics
Classification: Uncertain significance for Hereditary cancer-predisposing syndrome. Last evaluated: 2019-01-28. Review status: criteria provided, single submitter. Criteria: Ambry Variant Classification Scheme 2023. Collection method: clinical testing. Allele origin: germline.
Comment: The p.N279S variant (also known as c.836A>G), located in coding exon 6 of the DICER1 gene, results from an A to G substitution at nucleotide position 836. The asparagine at codon 279 is replaced by serine, an amino acid with highly similar properties. This amino acid position is poorly conserved in available vertebrate species. In addition, this alteration is predicted to be tolerated by in silico analysis. Since supporting evidence is limited at this time, the clinical significance of this alteration remains unclear.